The following is an entry in ClinVar:

NM_053025.4(MYLK):c.422+14G>C

Gene: MYLK (myosin light chain kinase; minus strand). Cytogenetic location: 3q21.1.
Variant type: single nucleotide variant.
Coding change: c.422+14G>C on transcript NM_053025.4 (MANE Select); 14 bases into the intron after coding-DNA position 422, G replaced by C.
Molecular consequence: intron variant.
Genome position (GRCh38, 1-based): chr3:123,739,939, C>G on the plus strand (G>C on the coding strand, the complement: MYLK is on the minus strand). VCF-style: chr3-123739939-C-G. GRCh37 (hg19) VCF-style: chr3-123458786-C-G.
Other names: c.-107+14G>C (NM_001321309.2); c.422+14G>C (NM_053028.4, NM_053026.4, NM_053027.4).
Identifiers: ClinVar variation 262283 (VCV000262283.23), dbSNP rs146112057, ClinGen allele CA071679.

ClinVar aggregate classification (germline): Benign/Likely benign. Review status: criteria provided, multiple submitters, no conflicts (2 of 4 stars). 7 submissions from 7 submitters: Benign (5); Likely benign (2). Last evaluated 2026-02-02.

Conditions:
Aortic aneurysm, familial thoracic 7 (AAT7). Also called: AORTIC DISSECTION, FAMILIAL, WITH OR WITHOUT AORTIC ANEURYSM. Identifiers: MedGen C3151077, MONDO:0013418, OMIM 613780.
Megacystis-microcolon-intestinal hypoperistalsis syndrome 1. Identifiers: MedGen C5542316, MONDO:0100354, OMIM 249210.

Allele frequency attached by ClinVar (database versions not stated): ExAC 0.00130; gnomAD 0.00368 and 0.00400; TOPMed 0.00436; ESP Exome Variant Server 0.00446; 1000 Genomes Project 0.00419; 1000 Genomes Project 30x 0.00547.
gnomAD v4.1: 1,117 of 1,613,798 alleles (0.069%); highest among the groups gnomAD compares: African/African-American, 1.3%; 6 homozygotes.

Submissions (7):

Labcorp Genetics (formerly Invitae), Labcorp
Classification: Benign for Aortic aneurysm, familial thoracic 7. Last evaluated: 2026-02-02. Review status: criteria provided, single submitter. Criteria: Invitae Variant Classification Sherloc (09022015). Collection method: clinical testing. Allele origin: germline.

ARUP Laboratories, Molecular Genetics and Genomics, ARUP Laboratories
Classification: Benign. Last evaluated: 2023-10-11. Review status: criteria provided, single submitter. Criteria: ARUP Molecular Germline Variant Investigation Process 2024. Collection method: clinical testing. Allele origin: germline.

Fulgent Genetics
Classification: Likely benign for Megacystis-microcolon-intestinal hypoperistalsis syndrome 1; Aortic aneurysm, familial thoracic 7. Last evaluated: 2021-07-26. Review status: criteria provided, single submitter. Criteria: ACMG Guidelines, 2015. Collection method: clinical testing. Allele origin: unknown.

Women's Health and Genetics/Laboratory Corporation of America, LabCorp
Classification: Benign. Last evaluated: 2019-10-22. Review status: criteria provided, single submitter. Criteria: LabCorp Variant Classification Summary - May 2015. Collection method: clinical testing. Allele origin: germline.
Comment: Variant summary: MYLK c.422+14G>C alters a non-conserved nucleotide located close to a canonical splice site and therefore could affect mRNA splicing, leading to a significantly altered protein sequence. 5/5 computational tools predict no significant impact on normal splicing. However, these predictions have yet to be confirmed by functional studies. The variant allele was found at a frequency of 0.001 in 251448 control chromosomes, predominantly at a frequency of 0.014 within the African or African-American subpopulation in the gnomAD database, including 2 homozygotes. The observed variant frequency within African or African-American control individuals in the gnomAD database is approximately 560 fold of the estimated maximal expected allele frequency for a pathogenic variant in MYLK causing Aortopathy phenotype (2.5e-05), strongly suggesting that the variant is a benign polymorphism found primarily in populations of African or African-American origin. To our knowledge, no occurrence of c.422+14G>C in individuals affected with Aortopathy and no experimental evidence demonstrating its impact on protein function have been reported. One ClinVar submitter (evaluation after 2014) cites the variant as benign. Based on the evidence outlined above, the variant was classified as benign.

Illumina Laboratory Services, Illumina
Classification: Likely benign for Aortic aneurysm, familial thoracic 7. Last evaluated: 2018-01-12. Review status: criteria provided, single submitter. Criteria: ICSL Variant Classification Criteria 13 December 2019. Collection method: clinical testing. Allele origin: germline.
Comment: This variant was observed in the ICSL laboratory as part of a predisposition screen in an ostensibly healthy population. It had not been previously curated by ICSL or reported in the Human Gene Mutation Database (HGMD: prior to June 1st, 2018), and was therefore a candidate for classification through an automated scoring system. Utilizing variant allele frequency, disease prevalence and penetrance estimates, and inheritance mode, an automated score was calculated to assess if this variant is too frequent to cause the disease. Based on the score and internal cut-off values, a variant classified as likely benign is not then subjected to further curation. The score for this variant resulted in a classification of likely benign for this disease.

GeneDx
Classification: Benign. Last evaluated: 2017-01-30. Review status: criteria provided, single submitter. Criteria: GeneDx Variant Classification (06012015). Collection method: clinical testing. Allele origin: germline. Affected: yes.
Comment: This variant is considered likely benign or benign based on one or more of the following criteria: it is a conservative change, it occurs at a poorly conserved position in the protein, it is predicted to be benign by multiple in silico algorithms, and/or has population frequency not consistent with disease.

PreventionGenetics, part of Exact Sciences
Classification: Benign. Review status: criteria provided, single submitter. Criteria: ACMG Guidelines, 2015. Collection method: clinical testing. Allele origin: germline.